The following is an entry in ClinVar:

NM_183075.3(CYP2U1):c.31_42dup (p.Ala11_Pro14dup)

Genes: CYP2U1 (cytochrome P450 family 2 subfamily U member 1; plus strand), CYP2U1-AS1 (CYP2U1 and SGMS2 antisense RNA 1; minus strand). Cytogenetic location: 4q25.
Variant type: Duplication.
Coding change: c.31_42dup on transcript NM_183075.3 (MANE Select); coding-DNA positions 31 to 42, 12 bases duplicated (GCCGAGGACCCG).
Protein change: p.Ala11_Pro14dup.
Molecular consequence: inframe insertion.
Genome position (GRCh38, 1-based): chr4:107,931,674-107,931,685, GCCGAGGACCCG duplicated; duplicating any 12 consecutive bases within chr4:107,931,671-107,931,685 gives the same sequence; the c. name uses the placement nearest the transcript's 3' end. VCF-style (leftmost placement, unchanged base first): chr4-107931670-G-GCCGGCCGAGGAC. GRCh37 (hg19) VCF-style: chr4-108852826-G-GCCGGCCGAGGAC.
Identifiers: ClinVar variation 1363750 (VCV001363750.7), dbSNP rs1026306428, ClinGen allele CA102859549.

ClinVar aggregate classification (germline): Uncertain significance (1 of 4 stars; one submission).

Conditions:
Spastic paraplegia. Identifiers: MedGen C0037772, HP:0001258.

Submission:

Labcorp Genetics (formerly Invitae), Labcorp
Classification: Uncertain significance for Spastic paraplegia. Last evaluated: 2021-04-10. Review status: criteria provided, single submitter. Criteria: Invitae Variant Classification Sherloc (09022015). Collection method: clinical testing. Allele origin: germline.
Comment: This variant, c.31_42dup, results in the insertion of 4 amino acid(s) to the CYP2U1 protein (p.Ala11_Pro14dup), but otherwise preserves the integrity of the reading frame. The frequency data for this variant in the population databases is considered unreliable, as metrics indicate insufficient coverage at this position in the ExAC database. This variant has not been reported in the literature in individuals with CYP2U1-related conditions. Experimental studies and prediction algorithms are not available or were not evaluated, and the functional significance of this variant is currently unknown. In summary, the available evidence is currently insufficient to determine the role of this variant in disease. Therefore, it has been classified as a Variant of Uncertain Significance.